The following is an entry in ClinVar:

ClinVar aggregate classification (germline): Uncertain significance. Review status: criteria provided, multiple submitters, no conflicts (2 of 4 stars). 7 submissions from 7 submitters: Uncertain significance (7). Last evaluated 2026-09-21.

Conditions:
Walker-Warburg congenital muscular dystrophy. Also called: Muscular dystrophy-dystroglycanopathy, type A; Walker-Warburg syndrome. Identifiers: Orphanet 899, MedGen C0265221, MONDO:0000171.
Muscular dystrophy-dystroglycanopathy (congenital with brain and eye anomalies), type A1 (MDDGA1). Also called: COD-MD SYNDROME; Muscular dystrophy-dystroglycanopathy (congenital with brain and eye anomalies), type A, 1; WALKER-WARBURG SYNDROME OR MUSCLE-EYE-BRAIN DISEASE, POMT1-RELATED; Hydrocephalus, agyria and retinal dysplasia; Hard +/- E syndrome; Warburg syndrome. Identifiers: Orphanet 588, Orphanet 899, MedGen C4284790, MONDO:0009364, OMIM 236670.
Muscular dystrophy-dystroglycanopathy (congenital with brain and eye anomalies), type A5. Also called: MUSCULAR DYSTROPHY-DYSTROGLYCANOPATHY (CONGENITAL WITH BRAIN AND EYE ANOMALIES), TYPE A, 5; WALKER-WARBURG SYNDROME OR MUSCLE-EYE-BRAIN DISEASE, FKRP-RELATED. Identifiers: Orphanet 588, Orphanet 899, MedGen C3150413, MONDO:0013157, OMIM 613153.
Muscular dystrophy-dystroglycanopathy type B5 (MDDGB5). Also called: MUSCULAR DYSTROPHY-DYSTROGLYCANOPATHY (CONGENITAL WITH OR WITHOUT IMPAIRED INTELLECTUAL DEVELOPMENT), TYPE B, 5; MUSCULAR DYSTROPHY, CONGENITAL, 1C; MUSCULAR DYSTROPHY, CONGENITAL, FKRP-RELATED. Identifiers: MedGen C1847759, MONDO:0011688, OMIM 606612.
Autosomal recessive limb-girdle muscular dystrophy type 2I. Also called: MUSCULAR DYSTROPHY-DYSTROGLYCANOPATHY (LIMB-GIRDLE), TYPE C, 5; MUSCULAR DYSTROPHY-DYSTROGLYCANOPATHY, LIMB-GIRDLE, FRKP-RELATED; MUSCULAR DYSTROPHY, LIMB-GIRDLE, TYPE 2I. Identifiers: Orphanet 34515, MedGen C1846672, MONDO:0011787, OMIM 607155.
Cardiovascular phenotype. Identifiers: MedGen CN230736.

Allele frequency attached by ClinVar (database versions not stated): gnomAD exomes 0.00001 and 0.00003; TOPMed below 0.00001.
gnomAD v4.1: 50 of 1,601,030 alleles (0.0031%); highest among the groups gnomAD compares: Admixed American, 0.0086%; no homozygotes.

Submissions (7):

Molecular Diagnostic Laboratory for Inherited Cardiovascular Disease, Montreal Heart Institute
Classification: Uncertain significance for Cardiovascular phenotype. Last evaluated: 2026-09-21. Review status: criteria provided, single submitter. Criteria: ACMG Guidelines, 2015. Collection method: clinical testing. Allele origin: germline. Affected: yes.
Comment: PM2, PP2

Mayo Clinic Laboratories, Mayo Clinic
Classification: Uncertain significance. Last evaluated: 2025-01-18. Review status: criteria provided, single submitter. Criteria: ACMG Guidelines, 2015. Collection method: clinical testing. Allele origin: germline. Observed: 1 variant allele.

Ambry Genetics
Classification: Uncertain significance for Cardiovascular phenotype. Last evaluated: 2024-01-03. Review status: criteria provided, single submitter. Criteria: Ambry Variant Classification Scheme 2023. Collection method: clinical testing. Allele origin: germline.
Comment: The p.P451L variant (also known as c.1352C>T), located in coding exon 1 of the FKRP gene, results from a C to T substitution at nucleotide position 1352. The proline at codon 451 is replaced by leucine, an amino acid with similar properties. This variant was reported as heterozygous in one individual from a limb-girdle muscular dystrophy (LGMD) cohort; however, clinical details were limited (Nallamilli BRR et al. Ann Clin Transl Neurol, 2018 Dec;5:1574-1587). This amino acid position is well conserved in available vertebrate species. In addition, the in silico prediction for this alteration is inconclusive. Since supporting evidence is limited at this time, the clinical significance of this alteration remains unclear.

Labcorp Genetics (formerly Invitae), Labcorp
Classification: Uncertain significance for Walker-Warburg congenital muscular dystrophy. Last evaluated: 2022-03-13. Review status: criteria provided, single submitter. Criteria: Invitae Variant Classification Sherloc (09022015). Collection method: clinical testing. Allele origin: germline.
Comment: This sequence change replaces proline, which is neutral and non-polar, with leucine, which is neutral and non-polar, at codon 451 of the FKRP protein (p.Pro451Leu). This variant is present in population databases (no rsID available, gnomAD 0.01%). This missense change has been observed in individual(s) with limb-girdle muscular dystrophy (PMID: 30564623). ClinVar contains an entry for this variant (Variation ID: 290726). Algorithms developed to predict the effect of missense changes on protein structure and function are either unavailable or do not agree on the potential impact of this missense change (SIFT: "Tolerated"; PolyPhen-2: "Probably Damaging"; Align-GVGD: "Class C0"). In summary, the available evidence is currently insufficient to determine the role of this variant in disease. Therefore, it has been classified as a Variant of Uncertain Significance.

Fulgent Genetics
Classification: Uncertain significance for Muscular dystrophy-dystroglycanopathy (congenital with brain and eye anomalies), type A1; Muscular dystrophy-dystroglycanopathy type B5; Autosomal recessive limb-girdle muscular dystrophy type 2I; Muscular dystrophy-dystroglycanopathy (congenital with brain and eye anomalies), type A5. Last evaluated: 2022-02-17. Review status: criteria provided, single submitter. Criteria: ACMG Guidelines, 2015. Collection method: clinical testing. Allele origin: unknown.

Revvity Omics, Revvity
Classification: Uncertain significance. Last evaluated: 2021-04-27. Review status: criteria provided, single submitter. Criteria: ACMG Guidelines, 2015. Collection method: clinical testing. Allele origin: germline.

Eurofins Ntd Llc (ga)
Classification: Uncertain significance. Last evaluated: 2016-09-06. Review status: criteria provided, single submitter. Criteria: EGL Classification Definitions 2015. Collection method: clinical testing. Allele origin: germline. Observed: 1 variant allele, 1 heterozygote.

Literature cited by the submitters: PubMed 30564623 (cited by 3 submitters).

NM_024301.5(FKRP):c.1352C>T (p.Pro451Leu)

Gene: FKRP (fukutin related protein; plus strand). Cytogenetic location: 19q13.32.
Variant type: single nucleotide variant.
Coding change: c.1352C>T on transcript NM_024301.5 (MANE Select); coding-DNA position 1352, C replaced by T.
Protein change: p.Pro451Leu; replaces proline 451 with leucine.
Molecular consequence: missense variant.
Genome position (GRCh38, 1-based): chr19:46,756,802, C>T. VCF-style: chr19-46756802-C-T. GRCh37 (hg19) VCF-style: chr19-47260059-C-T.
Other names: p.Pro451Leu; c.1352C>T, p.Pro451Leu (NM_001039885.3); short protein forms P451L.
Identifiers: ClinVar variation 290726 (VCV000290726.14), dbSNP rs886044542, ClinGen allele CA10606888.